The following is an entry in ClinVar:

NM_004369.4(COL6A3):c.9093C>T (p.Ser3031=)

Gene: COL6A3 (collagen type VI alpha 3 chain; minus strand). Cytogenetic location: 2q37.3.
Variant type: single nucleotide variant.
Coding change: c.9093C>T on transcript NM_004369.4 (MANE Select); coding-DNA position 9093, C replaced by T.
Protein change: p.Ser3031=; no amino-acid change (serine 3031 retained).
Molecular consequence: synonymous variant.
Genome position (GRCh38, 1-based): chr2:237,334,762, G>A on the plus strand (C>T on the coding strand, the complement: COL6A3 is on the minus strand). VCF-style: chr2-237334762-G-A. GRCh37 (hg19) VCF-style: chr2-238243405-G-A.
Other names: c.7272C>T, p.Ser2424= (NM_057166.5); c.8475C>T, p.Ser2825= (NM_057167.4).
Identifiers: ClinVar variation 2063844 (VCV002063844.25), dbSNP rs757423987, ClinGen allele CA2187362.

ClinVar aggregate classification (germline): Likely benign. Review status: criteria provided, multiple submitters, no conflicts (2 of 4 stars). 3 submissions from 3 submitters: Likely benign (3). Last evaluated 2026-08-01.

Conditions:
Bethlem myopathy 1A. Also called: MYOPATHY, BENIGN CONGENITAL, WITH CONTRACTURES; Bethlem myopathy 1; Bethlem Muscular Dystrophy. Identifiers: Orphanet 610, MedGen CN029274, MONDO:0024530, OMIM 158810.

Allele frequency attached by ClinVar (database versions not stated): ExAC 0.00001; gnomAD 0.00001; gnomAD exomes 0.00001; TOPMed 0.00001.
gnomAD v4.1: 12 of 1,614,012 alleles (0.00074%); highest among the groups gnomAD compares: Non-Finnish European, 0.001%; no homozygotes.

Submissions (3):

CeGaT Center for Human Genetics Tuebingen
Classification: Likely benign. Last evaluated: 2026-08-01. Review status: criteria provided, single submitter. Criteria: CeGaT Center For Human Genetics Tuebingen Variant Classification Criteria Version 2. Collection method: clinical testing. Allele origin: germline. Affected: yes. Observed: 2 variant alleles.
Comment: COL6A3: BP4, BP7

Blueprint Genetics
Classification: Likely benign. Last evaluated: 2024-07-29. Review status: criteria provided, single submitter. Criteria: ACMG Guidelines, 2015. Collection method: clinical testing. Allele origin: germline.

Labcorp Genetics (formerly Invitae), Labcorp
Classification: Likely benign for Bethlem myopathy 1A. Last evaluated: 2024-02-23. Review status: criteria provided, single submitter. Criteria: Invitae Variant Classification Sherloc (09022015). Collection method: clinical testing. Allele origin: germline.